The following is an entry in ClinVar:

ClinVar aggregate classification (germline): Uncertain significance (1 of 4 stars; one submission).

Submission:

Ambry Genetics
Classification: Uncertain significance. Last evaluated: 2024-07-17. Review status: criteria provided, single submitter. Criteria: Ambry Variant Classification Scheme 2023. Collection method: clinical testing. Allele origin: germline.
Comment: The p.T219I variant (also known as c.656C>T), located in coding exon 6 of the NQO1 gene, results from a C to T substitution at nucleotide position 656. The threonine at codon 219 is replaced by isoleucine, an amino acid with similar properties. This amino acid position is conserved. In addition, this alteration is predicted to be tolerated by in silico analysis. Based on the available evidence, the clinical significance of this variant remains unclear.

NM_000903.3(NQO1):c.656C>T (p.Thr219Ile)

Gene: NQO1 (NAD(P)H quinone dehydrogenase 1; minus strand). Cytogenetic location: 16q22.1.
Variant type: single nucleotide variant.
Coding change: c.656C>T on transcript NM_000903.3 (MANE Select); coding-DNA position 656, C replaced by T.
Protein change: p.Thr219Ile; replaces threonine 219 with isoleucine.
Molecular consequence: missense variant.
Genome position (GRCh38, 1-based): chr16:69,711,145, G>A on the plus strand (C>T on the coding strand, the complement: NQO1 is on the minus strand). VCF-style: chr16-69711145-G-A. GRCh37 (hg19) VCF-style: chr16-69745048-G-A.
Other names: c.554C>T, p.Thr185Ile (NM_001025433.2); c.542C>T, p.Thr181Ile (NM_001025434.2); c.440C>T, p.Thr147Ile (NM_001286137.2); short protein forms T181I, T185I, T219I, T147I.
Identifiers: ClinVar variation 3407561 (VCV003407561.1).